The following is an entry in ClinVar:

NM_006516.4(SLC2A1):c.-197A>C

Gene: SLC2A1 (solute carrier family 2 member 1; minus strand). Cytogenetic location: 1p34.2.
Variant type: single nucleotide variant.
Coding change: c.-197A>C on transcript NM_006516.4 (MANE Select); 197 bases upstream of the start codon, A replaced by C.
Molecular consequence: 5 prime UTR variant.
Genome position (GRCh38, 1-based): chr1:42,958,848, T>G on the plus strand (A>C on the coding strand, the complement: SLC2A1 is on the minus strand). VCF-style: chr1-42958848-T-G. GRCh37 (hg19) VCF-style: chr1-43424519-T-G.
Identifiers: ClinVar variation 297385 (VCV000297385.8), dbSNP rs11537640, ClinGen allele CA10610271.

ClinVar aggregate classification (germline): Benign. Review status: criteria provided, multiple submitters, no conflicts (2 of 4 stars). 9 submissions from 4 submitters: Benign (9). Last evaluated 2023-04-11.

Conditions:
Hereditary cryohydrocytosis with reduced stomatin. Also called: Stomatin-deficient cryohydrocytosis with neurologic defects; GLUT1 DEFICIENCY SYNDROME WITH PSEUDOHYPERKALEMIA AND HEMOLYSIS. Identifiers: Orphanet 168577, MedGen C1837206, MONDO:0012143, OMIM 608885.
Epilepsy, idiopathic generalized, susceptibility to, 12 (EIG12). Identifiers: MedGen C3553859, MONDO:0013919, OMIM 614847.
Dystonia 9 (DYT9). Also called: CHOREOATHETOSIS, KINESIGENIC, WITH EPISODIC ATAXIA AND SPASTICITY. Identifiers: Orphanet 53583, MedGen C1832855, MONDO:0010983, OMIM 601042.
Childhood onset GLUT1 deficiency syndrome 2. Also called: Exertion-induced paroxysmal dyskinesia; PAROXYSMAL EXERCISE-INDUCED DYSKINESIA WITH OR WITHOUT EPILEPSY AND/OR HEMOLYTIC ANEMIA; PAROXYSMAL EXERTION-INDUCED DYSTONIA WITH OR WITHOUT EPILEPSY AND/OR HEMOLYTIC ANEMIA; PED WITH OR WITHOUT EPILEPSY AND/OR HEMOLYTIC ANEMIA; Paroxysmal exercise-induced dystonia; PxMD-SLC2A1. Identifiers: Orphanet 98811, MedGen C1842534, MONDO:0012805, OMIM 612126.
Encephalopathy due to GLUT1 deficiency. Also called: Classic Glucose Transporter Type 1 Deficiency Syndrome; GLUCOSE TRANSPORT DEFECT, BLOOD-BRAIN BARRIER; De Vivo disease; Glucose transporter protein syndrome; GLUT1 deficiency syndrome 1, infantile onset, severe; GLUT1 deficiency syndrome 1. Identifiers: Orphanet 71277, MedGen C4551966, MONDO:0011724, OMIM 606777.

Allele frequency attached by ClinVar (database versions not stated): TOPMed 0.23065; gnomAD 0.23165 and 0.23186; 1000 Genomes Project 0.23203; 1000 Genomes Project 30x 0.23563.
gnomAD v4.1: 125,049 of 571,510 alleles (22%); highest among the groups gnomAD compares: African/African-American, 26%; 14,196 homozygotes.

Submissions (9):

Genome-Nilou Lab
Classification: Benign for Epilepsy, idiopathic generalized, susceptibility to, 12. Last evaluated: 2023-04-11. Review status: criteria provided, single submitter. Criteria: ACMG Guidelines, 2015. Collection method: clinical testing. Allele origin: germline. Affected: no.

Genome-Nilou Lab
Classification: Benign for Dystonia 9. Last evaluated: 2023-04-11. Review status: criteria provided, single submitter. Criteria: ACMG Guidelines, 2015. Collection method: clinical testing. Allele origin: germline. Affected: no.

Genome-Nilou Lab
Classification: Benign for Encephalopathy due to GLUT1 deficiency. Last evaluated: 2023-04-11. Review status: criteria provided, single submitter. Criteria: ACMG Guidelines, 2015. Collection method: clinical testing. Allele origin: germline. Affected: no.

Genome-Nilou Lab
Classification: Benign for Childhood onset GLUT1 deficiency syndrome 2. Last evaluated: 2023-04-11. Review status: criteria provided, single submitter. Criteria: ACMG Guidelines, 2015. Collection method: clinical testing. Allele origin: germline. Affected: no.

Genome-Nilou Lab
Classification: Benign for Hereditary cryohydrocytosis with reduced stomatin. Last evaluated: 2023-04-11. Review status: criteria provided, single submitter. Criteria: ACMG Guidelines, 2015. Collection method: clinical testing. Allele origin: germline. Affected: no.

GeneDx
Classification: Benign. Last evaluated: 2018-06-14. Review status: criteria provided, single submitter. Criteria: GeneDx Variant Classification (06012015). Collection method: clinical testing. Allele origin: germline. Affected: yes.
Comment: This variant is considered likely benign or benign based on one or more of the following criteria: it is a conservative change, it occurs at a poorly conserved position in the protein, it is predicted to be benign by multiple in silico algorithms, and/or has population frequency not consistent with disease.

Illumina Laboratory Services, Illumina
Classification: Benign for Encephalopathy due to GLUT1 deficiency. Last evaluated: 2018-01-12. Review status: criteria provided, single submitter. Criteria: ICSL Variant Classification Criteria 13 December 2019. Collection method: clinical testing. Allele origin: germline.
Comment: This variant was observed in the ICSL laboratory as part of a predisposition screen in an ostensibly healthy population. It had not been previously curated by ICSL or reported in the Human Gene Mutation Database (HGMD: prior to June 1st, 2018), and was therefore a candidate for classification through an automated scoring system. Utilizing variant allele frequency, disease prevalence and penetrance estimates, and inheritance mode, an automated score was calculated to assess if this variant is too frequent to cause the disease. Based on the score and internal cut-off values, a variant classified as benign is not then subjected to further curation. The score for this variant resulted in a classification of benign for this disease.

Illumina Laboratory Services, Illumina
Classification: Benign for Dystonia 9. Last evaluated: 2018-01-12. Review status: criteria provided, single submitter. Criteria: ICSL Variant Classification Criteria 13 December 2019. Collection method: clinical testing. Allele origin: germline.
Comment: the same text as in the submission from Illumina Laboratory Services, Illumina above.

Breakthrough Genomics
Classification: Benign. Review status: criteria provided, single submitter. Criteria: ACMG Guidelines, 2015. Collection method: not provided. Allele origin: germline. Inheritance: Autosomal dominant inheritance. Affected: yes.